The following is an entry in ClinVar:

NM_000051.4(ATM):c.6313A>G (p.Arg2105Gly)

Genes: ATM (ATM serine/threonine kinase; plus strand), C11orf65 (chromosome 11 open reading frame 65; minus strand). Cytogenetic location: 11q22.3.
Variant type: single nucleotide variant.
Coding change: c.6313A>G on transcript NM_000051.4 (MANE Select); coding-DNA position 6313, A replaced by G.
Protein change: p.Arg2105Gly; replaces arginine 2105 with glycine.
Molecular consequence: missense variant. On other transcripts: intron variant (2).
Genome position (GRCh38, 1-based): chr11:108,317,487, A>G. VCF-style: chr11-108317487-A-G. GRCh37 (hg19) VCF-style: chr11-108188214-A-G.
Other names: c.6313A>G, p.Arg2105Gly (NM_001351834.2); c.641-8416T>C (NM_001330368.2); c.*39-8416T>C (NM_001351110.2); short protein forms R2105G.
Identifiers: ClinVar variation 245884 (VCV000245884.29), dbSNP rs879253983, ClinGen allele CA10584357.

ClinVar aggregate classification (germline): Uncertain significance. Review status: criteria provided, multiple submitters, no conflicts (2 of 4 stars). 6 submissions from 6 submitters: Uncertain significance (5). 1 of the submissions does not count toward it. Last evaluated 2026-01-31.

Conditions:
Hereditary cancer-predisposing syndrome. Also called: Neoplastic Syndromes, Hereditary; Hereditary neoplastic syndrome; Tumor predisposition; Hereditary Cancer Syndrome. Identifiers: Orphanet 140162, MedGen C0027672, MeSH D009386, MONDO:0015356.
Ataxia-telangiectasia syndrome (AT). Also called: Ataxia telangiectasia (A-T); Cerebello-oculocutaneous telangiectasia; Immunodeficiency with ataxia telangiectasia; LOUIS-BAR SYNDROME; AT, COMPLEMENTATION GROUP C; ATAXIA-TELANGIECTASIA, FRESNO VARIANT. Identifiers: Orphanet 100, MedGen C0004135, MONDO:0008840, OMIM 208900.
Familial cancer of breast. Also called: hereditary breast carcinoma; Hereditary breast cancer; BREAST CANCER, FAMILIAL. Identifiers: Orphanet 227535, MedGen C0346153, MONDO:0016419, OMIM 114480. Disease mechanism: loss of function.

Allele frequency attached by ClinVar (database versions not stated): gnomAD exomes below 0.00001.
gnomAD v4.1: 1 of 1,611,498 alleles (0.000062%); no homozygotes.

Submissions (6):

Labcorp Genetics (formerly Invitae), Labcorp
Classification: Uncertain significance for Ataxia-telangiectasia syndrome. Last evaluated: 2026-01-31. Review status: criteria provided, single submitter. Criteria: Invitae Variant Classification Sherloc (09022015). Collection method: clinical testing. Allele origin: germline.
Comment: This sequence change replaces arginine, which is basic and polar, with glycine, which is neutral and non-polar, at codon 2105 of the ATM protein (p.Arg2105Gly). This variant is not present in population databases (gnomAD no frequency). This variant has not been reported in the literature in individuals affected with ATM-related conditions. ClinVar contains an entry for this variant (Variation ID: 245884). Invitae Evidence Modeling of protein sequence and biophysical properties (such as structural, functional, and spatial information, amino acid conservation, physicochemical variation, residue mobility, and thermodynamic stability) indicates that this missense variant is expected to disrupt ATM protein function with a positive predictive value of 80%. In summary, the available evidence is currently insufficient to determine the role of this variant in disease. Therefore, it has been classified as a Variant of Uncertain Significance.

Molecular Diagnostics Laboratory, Catalan Institute of Oncology
Classification: Uncertain significance for Hereditary cancer-predisposing syndrome. Last evaluated: 2025-01-28. Review status: criteria provided, single submitter. Criteria: ClinGen ACMG Specifications ATM V1.1.0. Collection method: clinical testing. Allele origin: germline.
Comment: PM2_Supporting, PP3 c.6313A>G, located in exon 43 of the ATM gene, is predicted to result in the substitution of arginine by glycine at codon 2105, p.(Arg2105Gly). This variant is found in 1/266996 alleles at a frequency of 0,0003% in the gnomAD v2.1.1 database, non-cancer dataset (PM2_supporting). The REVEL meta-predictor score for this variant (0.779) suggests a deleterious effect on protein function (PP3). To our knowledge, neither relevant clinical data nor well-established functional studies have been reported for this variant. This variant has been reported in the ClinVar database (5x uncertain significance) and has not been reported in LOVD. Based on currently available information, the variant c.6313A>G should be considered an uncertain significance variant according to ACMG Classification Rules Specified for ATM v1.1.

Baylor Genetics
Classification: Uncertain significance for Familial cancer of breast. Last evaluated: 2024-02-15. Review status: criteria provided, single submitter. Criteria: ACMG Guidelines, 2015. Collection method: clinical testing. Allele origin: unknown.

Ambry Genetics
Classification: Uncertain significance for Hereditary cancer-predisposing syndrome. Last evaluated: 2023-09-04. Review status: criteria provided, single submitter. Criteria: Ambry Variant Classification Scheme 2023. Collection method: clinical testing. Allele origin: germline.
Comment: The p.R2105G variant (also known as c.6313A>G), located in coding exon 42 of the ATM gene, results from an A to G substitution at nucleotide position 6313. The arginine at codon 2105 is replaced by glycine, an amino acid with dissimilar properties. This amino acid position is highly conserved in available vertebrate species. In addition, this alteration is predicted to be deleterious by in silico analysis. Since supporting evidence is limited at this time, the clinical significance of this alteration remains unclear.

GeneDx
Classification: Uncertain significance. Last evaluated: 2016-02-19. Review status: criteria provided, single submitter. Criteria: GeneDx Variant Classification (06012015). Collection method: clinical testing. Allele origin: germline. Affected: yes.
Comment: This variant is denoted ATM c.6313A>G at the cDNA level, p.Arg2105Gly (R2105G) at the protein level, and results in the change of an Arginine to a Glycine (AGG>GGG). This variant has not, to our knowledge, been published in the literature as pathogenic or benign. ATM Arg2105Gly was not observed in approximately 6,500 individuals of European and African American ancestry in the NHLBI Exome Sequencing Project, indicating it is not a common benign variant in these populations. Since Arginine and Glycine differ in polarity, charge, size or other properties, this is considered a non-conservative amino acid substitution. ATM Arg2105Gly occurs at a position that is conserved across species and is located in the FAT domain (Tavtigian 2009, Stracker 2013). In silico analyses predict that this variant is probably damaging to protein structure and function. Based on currently available information, it is unclear whether ATM Arg2105Gly is pathogenic or benign. We consider it to be a variant of uncertain significance.

Natera, Inc.
Classification: Uncertain significance for Ataxia-telangiectasia. Last evaluated: 2021-02-02. Review status: no assertion criteria provided. Collection method: clinical testing. Allele origin: germline. Not counted in ClinVar's aggregate classification.